The following is an entry in ClinVar:

ClinVar aggregate classification (germline): Pathogenic (1 of 4 stars; one submission).

Conditions:
Early-infantile DEE. Also called: Early infantile epileptic encephalopathy; Early infantile epileptic encephalopathy with suppression bursts; Ohtahara syndrome. Identifiers: Orphanet 1934, MedGen C0393706, MONDO:0800491.

Submission:

Labcorp Genetics (formerly Invitae), Labcorp
Classification: Pathogenic for Early-infantile DEE. Last evaluated: 2025-06-22. Review status: criteria provided, single submitter. Criteria: Invitae Variant Classification Sherloc (09022015). Collection method: clinical testing. Allele origin: germline.
Comment: The SCN8A gene has multiple clinically relevant transcripts. This variant occurs in alternate transcript NM_001330260.1, and corresponds to NM_014191.3:c.706+209G>C in the primary transcript. This sequence change replaces arginine, which is basic and polar, with glycine, which is neutral and non-polar, at codon 223 of the SCN8A protein (p.Arg223Gly). This variant is not present in population databases (gnomAD no frequency). This missense change has been observed in individual(s) with West syndrome (PMID: 30951195). In at least one individual the variant was observed to be de novo. This variant is also known as c.61A>G. Algorithms developed to predict the effect of variants on gene product structure and function are not available or were not evaluated for this variant. Experimental studies have shown that this missense change affects SCN8A function (PMID: 25239001, 34847423). This variant disrupts the p.Arg223 amino acid residue in SCN8A. Other variant(s) that disrupt this residue have been observed in individuals with SCN8A-related conditions (internal data), which suggests that this may be a clinically significant amino acid residue. For these reasons, this variant has been classified as Pathogenic.

Literature cited by the submitters: PubMed 30951195; PubMed 25239001; PubMed 34847423.

NM_001330260.2(SCN8A):c.667A>G (p.Arg223Gly)

Gene: SCN8A (sodium voltage-gated channel alpha subunit 8; plus strand). Cytogenetic location: 12q13.13.
Variant type: single nucleotide variant.
Coding change: c.667A>G on transcript NM_001330260.2 (MANE Select); coding-DNA position 667, A replaced by G.
Protein change: p.Arg223Gly; replaces arginine 223 with glycine.
Molecular consequence: missense variant. On other transcripts: intron variant (2).
Genome position (GRCh38, 1-based): chr12:51,689,057, A>G. VCF-style: chr12-51689057-A-G. GRCh37 (hg19) VCF-style: chr12-52082841-A-G.
Other names: c.667A>G, p.Arg223Gly (NM_001369788.1); c.706+208A>G (NM_014191.4, NM_001177984.3); short protein forms R223G.
Identifiers: ClinVar variation 4750144 (VCV004750144.1).
Genomic context (GRCh38, chr12:51,689,057, plus strand): 5'-TACTACAGATATGTGACAGAGTTTGTGGACCTGGGCAATGTCTCAGCGCTGAGAACATTC[A>G]GGGTTCTCCGAGCTTTGAAAACTATCTCTGTAATTCCAGGTGAGAAAATTTGTACATAAG-3'
Protein context (NP_001317189.1, residues 213-233): LGNVSALRTF[Arg223Gly]VLRALKTISV